The following is an entry in ClinVar:

NM_003978.5(PSTPIP1):c.682C>T (p.Arg228Cys)

Gene: PSTPIP1 (proline-serine-threonine phosphatase interacting protein 1; plus strand). Cytogenetic location: 15q24.3.
Variant type: single nucleotide variant.
Coding change: c.682C>T on transcript NM_003978.5 (MANE Select); coding-DNA position 682, C replaced by T.
Protein change: p.Arg228Cys; replaces arginine 228 with cysteine.
Molecular consequence: missense variant. On other transcripts: non-coding transcript variant (1).
Genome position (GRCh38, 1-based): chr15:77,031,219, C>T. VCF-style: chr15-77031219-C-T. GRCh37 (hg19) VCF-style: chr15-77323560-C-T.
Other names: c.682C>T (NM_003978.3); c.682C>T, p.Arg228Cys (NM_001321135.2); c.655C>T, p.Arg219Cys (NM_001321136.2); c.877C>T, p.Arg293Cys (NM_001321137.1); short protein forms R219C, R228C, R293C.
Identifiers: ClinVar variation 1418985 (VCV001418985.10), dbSNP rs781341816, ClinGen allele CA7675941.

ClinVar aggregate classification (germline): Uncertain significance. Review status: criteria provided, multiple submitters, no conflicts (2 of 4 stars). 3 submissions from 3 submitters: Uncertain significance (3). Last evaluated 2026-01-27.

Conditions:
Pyogenic arthritis-pyoderma gangrenosum-acne syndrome (PAPA). Also called: FAMILIAL RECURRENT ARTHRITIS; PAPA SYNDROME. Identifiers: Orphanet 69126, MedGen C1858361, MONDO:0011462, OMIM 604416.

Allele frequency attached by ClinVar (database versions not stated): TOPMed below 0.00001; gnomAD 0.00002; ExAC 0.00003; gnomAD exomes 0.00003.
gnomAD v4.1: 51 of 1,612,970 alleles (0.0032%); highest among the groups gnomAD compares: Non-Finnish European, 0.0042%; no homozygotes.

Submissions (3):

Labcorp Genetics (formerly Invitae), Labcorp
Classification: Uncertain significance for Pyogenic arthritis-pyoderma gangrenosum-acne syndrome. Last evaluated: 2026-01-27. Review status: criteria provided, single submitter. Criteria: Invitae Variant Classification Sherloc (09022015). Collection method: clinical testing. Allele origin: germline.
Comment: This sequence change replaces arginine, which is basic and polar, with cysteine, which is neutral and slightly polar, at codon 228 of the PSTPIP1 protein (p.Arg228Cys). This variant is present in population databases (rs781341816, gnomAD 0.006%). This missense change has been observed in individual(s) with primary immunodeficiencies or autoinflammatory syndromes (PMID: 24139496, 30783801, 36692132). It has also been observed to segregate with disease in related individuals. ClinVar contains an entry for this variant (Variation ID: 1418985). Invitae Evidence Modeling of protein sequence and biophysical properties (such as structural, functional, and spatial information, amino acid conservation, physicochemical variation, residue mobility, and thermodynamic stability) indicates that this missense variant is expected to disrupt PSTPIP1 protein function with a positive predictive value of 80%. Experimental studies have shown that this missense change affects PSTPIP1 function (PMID: 29432774, 35152348). In summary, the available evidence is currently insufficient to determine the role of this variant in disease. Therefore, it has been classified as a Variant of Uncertain Significance.

GeneDx
Classification: Uncertain significance. Last evaluated: 2024-12-16. Review status: criteria provided, single submitter. Criteria: GeneDx Variant Classification Process June 2021. Collection method: clinical testing. Allele origin: germline. Affected: yes.
Comment: In silico analysis supports that this missense variant has a deleterious effect on protein structure/function; Functional studies demonstrated that R228C affects binding of LYP, PTPN18, and PTPN12 and reduced its co-localization relative to wild type cells, however it did not affect oligomerization and additional studies are needed to validate the functional effect of this variant in vivo (PMID: 35152348); This variant is associated with the following publications: (PMID: 36864619, 34035534, 29432774, 36692132, 38250061, 30783801, 34399798, 24139496, 35152348)

Blueprint Genetics
Classification: Uncertain significance. Last evaluated: 2024-02-09. Review status: criteria provided, single submitter. Criteria: ACMG Guidelines, 2015. Collection method: clinical testing. Allele origin: germline.

Literature cited by the submitters: PubMed 24139496 (cited by Labcorp Genetics (formerly Invitae), Labcorp); PubMed 30783801 (cited by Labcorp Genetics (formerly Invitae), Labcorp); PubMed 36692132 (cited by Labcorp Genetics (formerly Invitae), Labcorp); PubMed 29432774 (cited by Labcorp Genetics (formerly Invitae), Labcorp); PubMed 35152348 (cited by Labcorp Genetics (formerly Invitae), Labcorp).